The following is an entry in ClinVar:

NM_000428.3(LTBP2):c.2144C>T (p.Pro715Leu)

Gene: LTBP2 (latent transforming growth factor beta binding protein 2; minus strand). Cytogenetic location: 14q24.3.
Variant type: single nucleotide variant.
Coding change: c.2144C>T on transcript NM_000428.3 (MANE Select); coding-DNA position 2144, C replaced by T.
Protein change: p.Pro715Leu; replaces proline 715 with leucine.
Molecular consequence: missense variant.
Genome position (GRCh38, 1-based): chr14:74,528,966, G>A on the plus strand (C>T on the coding strand, the complement: LTBP2 is on the minus strand). VCF-style: chr14-74528966-G-A. GRCh37 (hg19) VCF-style: chr14-74995669-G-A.
Other names: short protein forms P715L.
Identifiers: ClinVar variation 2047282 (VCV002047282.4), dbSNP rs1192439208, ClinGen allele CA390395271.

ClinVar aggregate classification (germline): Uncertain significance (1 of 4 stars; one submission).

Allele frequency attached by ClinVar (database versions not stated): gnomAD exomes below 0.00001.
gnomAD v4.1: 2 of 1,611,222 alleles (0.00012%); highest among the groups gnomAD compares: Non-Finnish European, 0.00017%; no homozygotes.

Submission:

Labcorp Genetics (formerly Invitae), Labcorp
Classification: Uncertain significance. Last evaluated: 2021-12-18. Review status: criteria provided, single submitter. Criteria: Invitae Variant Classification Sherloc (09022015). Collection method: clinical testing. Allele origin: germline.
Comment: This variant has not been reported in the literature in individuals affected with LTBP2-related conditions. Algorithms developed to predict the effect of missense changes on protein structure and function output the following: SIFT: "Tolerated"; PolyPhen-2: "Benign"; Align-GVGD: "Class C0". The leucine amino acid residue is found in multiple mammalian species, which suggests that this missense change does not adversely affect protein function. In summary, the available evidence is currently insufficient to determine the role of this variant in disease. Therefore, it has been classified as a Variant of Uncertain Significance. This variant is present in population databases (no rsID available, gnomAD 0.0009%). This sequence change replaces proline, which is neutral and non-polar, with leucine, which is neutral and non-polar, at codon 715 of the LTBP2 protein (p.Pro715Leu).